The following is an entry in ClinVar:

ClinVar aggregate classification (germline): Pathogenic/Likely pathogenic. Review status: criteria provided, multiple submitters, no conflicts (2 of 4 stars). 4 submissions from 4 submitters: Pathogenic (3); Likely pathogenic (1). Last evaluated 2026-02-06.

Conditions:
Familial multiple polyposis syndrome (FAP). Also called: Familial intestinal polyposis; Familial Adenomatous Polyposis (FAP); Familial polyposis; Classic familial adenomatous polyposis; Familial adenomatous polyposis. Identifiers: Orphanet 733, MedGen C0032580, MONDO:0021055. Disease mechanism: loss of function.
Familial adenomatous polyposis 1 (FAP1). Also called: FAMILIAL ADENOMATOUS POLYPOSIS 1, ATTENUATED; POLYPOSIS, ADENOMATOUS INTESTINAL. Identifiers: MedGen C2713442, MONDO:0021056, OMIM 175100. Disease mechanism: loss of function.

Submissions (4):

GeneDx
Classification: Pathogenic. Last evaluated: 2026-02-06. Review status: criteria provided, single submitter. Criteria: GeneDx Variant Classification Process June 2021. Collection method: clinical testing. Allele origin: germline.
Comment: Canonical splice site variant predicted to result in a null allele in a gene for which loss of function is a known mechanism of disease; Observed in individuals with polyposis (PMID: 9950360); Not observed at significant frequency in large population cohorts (gnomAD); Also known as IVS14+2T>G; This variant is associated with the following publications: (PMID: 9950360)

Labcorp Genetics (formerly Invitae), Labcorp
Classification: Pathogenic for Familial adenomatous polyposis 1. Last evaluated: 2025-04-22. Review status: criteria provided, single submitter. Criteria: Invitae Variant Classification Sherloc (09022015). Collection method: clinical testing. Allele origin: germline.
Comment: This sequence change affects a donor splice site in intron 15 of the APC gene. While this variant is not anticipated to result in nonsense mediated decay, it likely alters RNA splicing and results in a disrupted protein product. This variant is not present in population databases (gnomAD no frequency). Disruption of this splice site has been observed in individual(s) with familial adenomatous polyposis (PMID: 9950360, 20685668; internal data). ClinVar contains an entry for this variant (Variation ID: 1070046). Variants that disrupt the consensus splice site are a relatively common cause of aberrant splicing (PMID: 17576681, 9536098). Algorithms developed to predict the effect of sequence changes on RNA splicing suggest that this variant may disrupt the consensus splice site. This variant disrupts a region of the APC protein in which other variant(s) (p.Tyr2645Lysfs*14) have been determined to be pathogenic (PMID: 1316610, 8381579, 9824584, 22135120, 27081525; internal data). This suggests that this is a clinically significant region of the protein, and that variants that disrupt it are likely to be disease-causing. For these reasons, this variant has been classified as Pathogenic.

Myriad Genetics, Inc.
Classification: Pathogenic for Familial adenomatous polyposis 1. Last evaluated: 2023-05-03. Review status: criteria provided, single submitter. Criteria: Myriad Autosomal Dominant, Autosomal Recessive and X-Linked Classification Criteria (2023). Collection method: clinical testing. Allele origin: unknown.
Comment: This variant is considered pathogenic. This variant occurs within a consensus splice junction and is predicted to result in abnormal mRNA splicing of either an out-of-frame exon or an in-frame exon necessary for protein stability and/or normal function. mRNA analysis has demonstrated abnormal mRNA splicing occurs [PMID: 15459959].

Women's Health and Genetics/Laboratory Corporation of America, LabCorp
Classification: Likely pathogenic for Familial multiple polyposis syndrome. Last evaluated: 2022-09-01. Review status: criteria provided, single submitter. Criteria: LabCorp Variant Classification Summary - May 2015. Collection method: clinical testing. Allele origin: germline.
Comment: Variant summary: APC c.1958+2T>G is located in a canonical splice-site and is predicted to affect mRNA splicing resulting in a significantly altered protein due to either exon skipping, shortening, or inclusion of intronic material. Several computational tools predict a significant impact on normal splicing: Four predict the variant abolishes a canonical 5' splicing donor site. However, these predictions have yet to be confirmed by functional studies. The variant was absent in 247824 control chromosomes (gnomAD). c.1958+2T>G has been reported in the literature in at least one individual affected with Familial Adenomatous Polyposis (Wallis_1999). These data do not allow any conclusion about variant significance. To our knowledge, no experimental evidence demonstrating an impact on protein function has been reported. One ClinVar submitter has assessed the variant since 2014 without providing evidence for independent evaluation: the variant was classified as pathogenic. Based on the evidence outlined above, the variant was classified as likely pathogenic.

Literature cited by the submitters: PubMed 9950360 (cited by Labcorp Genetics (formerly Invitae), Labcorp and Women's Health and Genetics/Laboratory Corporation of America, LabCorp); PubMed 20685668 (cited by Labcorp Genetics (formerly Invitae), Labcorp); PubMed 17576681 (cited by Labcorp Genetics (formerly Invitae), Labcorp); PubMed 9536098 (cited by Labcorp Genetics (formerly Invitae), Labcorp); PubMed 1316610 (cited by Labcorp Genetics (formerly Invitae), Labcorp); PubMed 8381579 (cited by Labcorp Genetics (formerly Invitae), Labcorp); PubMed 9824584 (cited by Labcorp Genetics (formerly Invitae), Labcorp); PubMed 22135120 (cited by Labcorp Genetics (formerly Invitae), Labcorp); PubMed 27081525 (cited by Labcorp Genetics (formerly Invitae), Labcorp); PubMed 15459959 (cited by Myriad Genetics, Inc.).

NM_000038.6(APC):c.1958+2T>G

Gene: APC (APC regulator of Wnt signaling pathway; plus strand). Cytogenetic location: 5q22.2.
Variant type: single nucleotide variant.
Coding change: c.1958+2T>G on transcript NM_000038.6 (MANE Select); the canonical splice donor site of the intron after coding-DNA position 1958, T replaced by G.
Molecular consequence: splice donor variant.
Genome position (GRCh38, 1-based): chr5:112,835,167, T>G. VCF-style: chr5-112835167-T-G. GRCh37 (hg19) VCF-style: chr5-112170864-T-G.
Other names: c.1109+2T>G (NM_001407470.1, NM_001354906.2); c.1709+2T>G (NM_001407457.1, NM_001407455.1, NM_001407454.1 and 1 more transcripts); c.1655+2T>G (NM_001407458.1, NM_001407459.1, NM_001354903.2 and 1 more transcripts); c.1781+2T>G (NM_001407453.1, NM_001354901.2); c.2012+2T>G (NM_001407449.1, NM_001354896.2, NM_001407447.1 and 1 more transcripts); c.1958+2T>G (NM_001127510.3, NM_001354895.2, NM_001407450.1); c.1937+2T>G (NM_001407451.1); c.1883+2T>G (NM_001354898.2); and 11 more.
Identifiers: ClinVar variation 1070046 (VCV001070046.13), dbSNP rs2149844646, ClinGen allele CA360623925.